The following is an entry in ClinVar:

NM_006231.4(POLE):c.2244G>A (p.Gln748=)

Gene: POLE (DNA polymerase epsilon, catalytic subunit; minus strand). Cytogenetic location: 12q24.33.
Variant type: single nucleotide variant.
Coding change: c.2244G>A on transcript NM_006231.4 (MANE Select); coding-DNA position 2244, G replaced by A.
Protein change: p.Gln748=; no amino-acid change (glutamine 748 retained).
Molecular consequence: synonymous variant.
Genome position (GRCh38, 1-based): chr12:132,667,578, C>T on the plus strand (G>A on the coding strand, the complement: POLE is on the minus strand). VCF-style: chr12-132667578-C-T. GRCh37 (hg19) VCF-style: chr12-133244164-C-T.
Identifiers: ClinVar variation 388037 (VCV000388037.13), dbSNP rs1057522980, ClinGen allele CA16606175.

ClinVar aggregate classification (germline): Likely benign. Review status: criteria provided, multiple submitters, no conflicts (2 of 4 stars). 3 submissions from 3 submitters: Likely benign (3). Last evaluated 2026-01-07.

Conditions:
Hereditary cancer-predisposing syndrome. Also called: Hereditary Cancer Syndrome; Hereditary neoplastic syndrome; Neoplastic Syndromes, Hereditary; Tumor predisposition. Identifiers: Orphanet 140162, MedGen C0027672, MeSH D009386, MONDO:0015356.

Allele frequency attached by ClinVar (database versions not stated): gnomAD 0.00001; gnomAD exomes below 0.00001; TOPMed below 0.00001.
gnomAD v4.1: 5 of 1,613,690 alleles (0.00031%); highest among the groups gnomAD compares: Non-Finnish European, 0.00042%; no homozygotes.

Submissions (3):

Labcorp Genetics (formerly Invitae), Labcorp
Classification: Likely benign. Last evaluated: 2026-01-07. Review status: criteria provided, single submitter. Criteria: Invitae Variant Classification Sherloc (09022015). Collection method: clinical testing. Allele origin: germline.

GeneDx
Classification: Likely benign. Last evaluated: 2016-07-22. Review status: criteria provided, single submitter. Criteria: GeneDx Variant Classification (06012015). Collection method: clinical testing. Allele origin: germline. Affected: yes.
Comment: This variant is considered likely benign or benign based on one or more of the following criteria: it is a conservative change, it occurs at a poorly conserved position in the protein, it is predicted to be benign by multiple in silico algorithms, and/or has population frequency not consistent with disease.

Ambry Genetics
Classification: Likely benign for Hereditary cancer-predisposing syndrome. Last evaluated: 2015-07-27. Review status: criteria provided, single submitter. Criteria: Ambry Variant Classification Scheme 2023. Collection method: clinical testing. Allele origin: germline.